The following is an entry in ClinVar:

ClinVar aggregate classification (germline): Uncertain significance. Review status: criteria provided, multiple submitters, no conflicts (2 of 4 stars). 2 submissions from 2 submitters: Uncertain significance (2). Last evaluated 2022-03-26.

Conditions:
Neutral lipid storage myopathy (NLSDM). Also called: NEUTRAL LIPID STORAGE DISEASE WITHOUT ICHTHYOSIS. Identifiers: Orphanet 98908, MedGen C1853136, MONDO:0012545, OMIM 610717.

Allele frequency attached by ClinVar (database versions not stated): gnomAD 0.00001; gnomAD exomes 0.00001; TOPMed 0.00002.
gnomAD v4.1: 13 of 1,595,948 alleles (0.00081%); highest among the groups gnomAD compares: Non-Finnish European, 0.001%; no homozygotes.

Submissions (2):

Labcorp Genetics (formerly Invitae), Labcorp
Classification: Uncertain significance for Neutral lipid storage myopathy. Last evaluated: 2022-03-26. Review status: criteria provided, single submitter. Criteria: Invitae Variant Classification Sherloc (09022015). Collection method: clinical testing. Allele origin: germline.
Comment: This sequence change replaces glycine, which is neutral and non-polar, with aspartic acid, which is acidic and polar, at codon 446 of the PNPLA2 protein (p.Gly446Asp). In summary, the available evidence is currently insufficient to determine the role of this variant in disease. Therefore, it has been classified as a Variant of Uncertain Significance. Algorithms developed to predict the effect of missense changes on protein structure and function are either unavailable or do not agree on the potential impact of this missense change (SIFT: "Deleterious"; PolyPhen-2: "Benign"; Align-GVGD: "Class C0"). This variant has not been reported in the literature in individuals affected with PNPLA2-related conditions. The frequency data for this variant in the population databases is considered unreliable, as metrics indicate poor data quality at this position in the gnomAD database.

Revvity Omics, Revvity
Classification: Uncertain significance for Neutral lipid storage myopathy. Last evaluated: 2019-10-01. Review status: criteria provided, single submitter. Criteria: ACMG Guidelines, 2015. Collection method: clinical testing. Allele origin: germline.

NM_020376.4(PNPLA2):c.1337G>A (p.Gly446Asp)

Gene: PNPLA2 (patatin like domain 2, triacylglycerol lipase; plus strand). Cytogenetic location: 11p15.5.
Variant type: single nucleotide variant.
Coding change: c.1337G>A on transcript NM_020376.4 (MANE Select); coding-DNA position 1337, G replaced by A.
Protein change: p.Gly446Asp; replaces glycine 446 with aspartic acid.
Molecular consequence: missense variant.
Genome position (GRCh38, 1-based): chr11:824,684, G>A. VCF-style: chr11-824684-G-A. GRCh37 (hg19) VCF-style: chr11-824684-G-A.
Other names: c.1337G>A (NM_020376.3); short protein forms G446D.
Identifiers: ClinVar variation 1928715 (VCV001928715.8), dbSNP rs1449497363, ClinGen allele CA378985126.
Genomic context (GRCh38, chr11:824,684, plus strand): 5'-ACCTCTCGCTGGGGGACGCGCTGGCCAAGTGGGAGGAGTGCCAGCGCCAGCTGCTGCTCG[G>A]CCTCTTCTGCACCAACGTGGCCTTCCCGCCCGAAGCTCTGCGCATGCGCGCACCCGCCGA-3'
Protein context (NP_065109.1, residues 436-456): WEECQRQLLL[Gly446Asp]LFCTNVAFPP